The following is an entry in ClinVar:

NM_022166.4(XYLT1):c.2632G>A (p.Val878Ile)

Gene: XYLT1 (xylosyltransferase 1; minus strand). Cytogenetic location: 16p12.3.
Variant type: single nucleotide variant.
Coding change: c.2632G>A on transcript NM_022166.4 (MANE Select); coding-DNA position 2632, G replaced by A.
Protein change: p.Val878Ile; replaces valine 878 with isoleucine.
Molecular consequence: missense variant.
Genome position (GRCh38, 1-based): chr16:17,108,943, C>T on the plus strand (G>A on the coding strand, the complement: XYLT1 is on the minus strand). VCF-style: chr16-17108943-C-T. GRCh37 (hg19) VCF-style: chr16-17202800-C-T.
Other names: short protein forms V878I.
Identifiers: ClinVar variation 2194534 (VCV002194534.1), dbSNP rs202017658, ClinGen allele CA7927524.

ClinVar aggregate classification (germline): Uncertain significance (1 of 4 stars; one submission).

Conditions:
Desbuquois dysplasia 1 (DBQD1). Also called: MICROMELIC DWARFISM WITH VERTEBRAL AND METAPHYSEAL ABNORMALITIES AND ADVANCED CARPOTARSAL OSSIFICATION; DESBUQUOIS DYSPLASIA 1, KIM VARIANT. Identifiers: Orphanet 1425, MedGen C4012146, MONDO:0009629, OMIM 251450.

Allele frequency attached by ClinVar (database versions not stated): gnomAD exomes 0.00008; gnomAD 0.00011; ExAC 0.00012; TOPMed 0.00015.
gnomAD v4.1: 132 of 1,596,296 alleles (0.0083%); highest among the groups gnomAD compares: Non-Finnish European, 0.0056%; no homozygotes.

Submission:

Labcorp Genetics (formerly Invitae), Labcorp
Classification: Uncertain significance for Desbuquois dysplasia 1. Last evaluated: 2022-08-23. Review status: criteria provided, single submitter. Criteria: Invitae Variant Classification Sherloc (09022015). Collection method: clinical testing. Allele origin: germline.
Comment: This sequence change replaces valine, which is neutral and non-polar, with isoleucine, which is neutral and non-polar, at codon 878 of the XYLT1 protein (p.Val878Ile). This variant is present in population databases (rs202017658, gnomAD 0.2%). This variant has not been reported in the literature in individuals affected with XYLT1-related conditions. Algorithms developed to predict the effect of missense changes on protein structure and function (SIFT, PolyPhen-2, Align-GVGD) all suggest that this variant is likely to be tolerated. In summary, the available evidence is currently insufficient to determine the role of this variant in disease. Therefore, it has been classified as a Variant of Uncertain Significance.